The following is an entry in ClinVar:

NM_000075.4(CDK4):c.249T>C (p.Thr83=)

Gene: CDK4 (cyclin dependent kinase 4; minus strand). Cytogenetic location: 12q14.1.
Variant type: single nucleotide variant.
Coding change: c.249T>C on transcript NM_000075.4 (MANE Select); coding-DNA position 249, T replaced by C.
Protein change: p.Thr83=; no amino-acid change (threonine 83 retained).
Molecular consequence: synonymous variant.
Genome position (GRCh38, 1-based): chr12:57,751,312, A>G on the plus strand (T>C on the coding strand, the complement: CDK4 is on the minus strand). VCF-style: chr12-57751312-A-G. GRCh37 (hg19) VCF-style: chr12-58145095-A-G.
Identifiers: ClinVar variation 1792193 (VCV001792193.3), dbSNP rs1955234786, ClinGen allele CA480404617.

ClinVar aggregate classification (germline): Benign/Likely benign. Review status: criteria provided, multiple submitters, no conflicts (2 of 4 stars). 2 submissions from 2 submitters: Benign (1); Likely benign (1). Last evaluated 2024-09-25.

Conditions:
Hereditary cancer-predisposing syndrome. Also called: Hereditary Cancer Syndrome; Hereditary neoplastic syndrome; Tumor predisposition; Neoplastic Syndromes, Hereditary. Identifiers: Orphanet 140162, MedGen C0027672, MeSH D009386, MONDO:0015356.
Melanoma, cutaneous malignant, susceptibility to, 3. Also called: Cutaneous malignant melanoma 3. Identifiers: Orphanet 618, MedGen C1836892, MONDO:0012183, OMIM 609048.

Submissions (2):

Myriad Genetics, Inc.
Classification: Benign for Melanoma, cutaneous malignant, susceptibility to, 3. Last evaluated: 2024-09-25. Review status: criteria provided, single submitter. Criteria: Myriad Autosomal Dominant, Autosomal Recessive and X-Linked Classification Criteria (2023). Collection method: clinical testing. Allele origin: unknown.
Comment: This variant is considered benign. This variant is a silent/synonymous amino acid change and it is not expected to impact splicing.

Ambry Genetics
Classification: Likely benign for Hereditary cancer-predisposing syndrome. Last evaluated: 2020-01-16. Review status: criteria provided, single submitter. Criteria: Ambry Variant Classification Scheme 2023. Collection method: clinical testing. Allele origin: germline.